The following is an entry in ClinVar:

NM_001365536.1(SCN9A):c.2105-15G>A

Genes: SCN1A-AS1 (SCN1A and SCN9A antisense RNA 1; plus strand), SCN9A (sodium voltage-gated channel alpha subunit 9; minus strand). Cytogenetic location: 2q24.3.
Variant type: single nucleotide variant.
Coding change: c.2105-15G>A on transcript NM_001365536.1 (MANE Select); 15 bases into the intron before coding-DNA position 2105, G replaced by A.
Molecular consequence: intron variant.
Genome position (GRCh38, 1-based): chr2:166,280,610, C>T on the plus strand (G>A on the coding strand, the complement: SCN9A is on the minus strand). VCF-style: chr2-166280610-C-T. GRCh37 (hg19) VCF-style: chr2-167137120-C-T.
Other names: c.2072-15G>A (NM_002977.4).
Identifiers: ClinVar variation 167660 (VCV000167660.21), dbSNP rs4525717, ClinGen allele CA180417.

ClinVar aggregate classification (germline): Benign/Likely benign. Review status: criteria provided, multiple submitters, no conflicts (2 of 4 stars). 9 submissions from 7 submitters: Benign (8); Likely benign (1). Last evaluated 2026-02-03.

Conditions:
Channelopathy-associated congenital insensitivity to pain, autosomal recessive. Also called: ASYMBOLIA FOR PAIN; CONGENITAL ANALGESIA, AUTOSOMAL RECESSIVE; Insensitivity to pain, channelopathy-associated. Identifiers: Orphanet 88642, Orphanet 970, MedGen C1855739, MONDO:0009459, OMIM 243000.
Paroxysmal extreme pain disorder (PEXPD). Also called: SCN9A Paroxysmal Extreme Pain Disorder (SCN9A-PEPD); PAIN, SUBMANDIBULAR, OCULAR, AND RECTAL, WITH FLUSHING; RECTAL PAIN, FAMILIAL. Identifiers: Orphanet 46348, MedGen C1833661, MONDO:0008179, OMIM 167400.
Primary erythromelalgia. Also called: SCN9A Erythromelalgia (SCN9A-EM); primary erythermalgia. Identifiers: Orphanet 306577, Orphanet 90026, MedGen C0014805, MONDO:0007571, OMIM 133020.
Generalized epilepsy with febrile seizures plus, type 7 (GEFSP7). Also called: GEFS+, TYPE 7. Identifiers: Orphanet 36387, MedGen C2751778, MONDO:0013470, OMIM 613863.
Neuropathy, hereditary sensory and autonomic, type 2A (HSAN2A). Also called: ACROOSTEOLYSIS, GIACCAI TYPE; ACROOSTEOLYSIS, NEUROGENIC; MORVAN DISEASE; NEUROPATHY, HEREDITARY SENSORY, TYPE IIA; NEUROPATHY, PROGRESSIVE SENSORY, OF CHILDREN; NEUROPATHY, CONGENITAL SENSORY. Identifiers: Orphanet 970, MedGen C2752089, MONDO:0024309, OMIM 201300.

Allele frequency attached by ClinVar (database versions not stated): ESP Exome Variant Server 0.11679; TOPMed 0.12921; gnomAD 0.12980 and 0.13503; gnomAD exomes 0.15565; 1000 Genomes Project 30x 0.18395; 1000 Genomes Project 0.18690; ExAC 0.19275.

Submissions (9):

Labcorp Genetics (formerly Invitae), Labcorp
Classification: Benign for Neuropathy, hereditary sensory and autonomic, type 2A; Generalized epilepsy with febrile seizures plus, type 7. Last evaluated: 2026-02-03. Review status: criteria provided, single submitter. Criteria: Invitae Variant Classification Sherloc (09022015). Collection method: clinical testing. Allele origin: germline.

Blueprint Genetics
Classification: Likely benign. Last evaluated: 2024-11-26. Review status: criteria provided, single submitter. Criteria: ACMG Guidelines, 2015. Collection method: clinical testing. Allele origin: germline.

Illumina Laboratory Services, Illumina
Classification: Benign for Primary erythromelalgia. Last evaluated: 2018-01-12. Review status: criteria provided, single submitter. Criteria: ICSL Variant Classification Criteria 13 December 2019. Collection method: clinical testing. Allele origin: germline.
Comment: This variant was observed in the ICSL laboratory as part of a predisposition screen in an ostensibly healthy population. It had not been previously curated by ICSL or reported in the Human Gene Mutation Database (HGMD: prior to June 1st, 2018), and was therefore a candidate for classification through an automated scoring system. Utilizing variant allele frequency, disease prevalence and penetrance estimates, and inheritance mode, an automated score was calculated to assess if this variant is too frequent to cause the disease. Based on the score and internal cut-off values, a variant classified as benign is not then subjected to further curation. The score for this variant resulted in a classification of benign for this disease.

Illumina Laboratory Services, Illumina
Classification: Benign for Paroxysmal extreme pain disorder. Last evaluated: 2018-01-12. Review status: criteria provided, single submitter. Criteria: ICSL Variant Classification Criteria 13 December 2019. Collection method: clinical testing. Allele origin: germline.
Comment: the same text as in the submission from Illumina Laboratory Services, Illumina above.

Illumina Laboratory Services, Illumina
Classification: Benign for Channelopathy-associated congenital insensitivity to pain, autosomal recessive. Last evaluated: 2018-01-12. Review status: criteria provided, single submitter. Criteria: ICSL Variant Classification Criteria 13 December 2019. Collection method: clinical testing. Allele origin: germline.
Comment: the same text as in the submission from Illumina Laboratory Services, Illumina above.

GeneDx
Classification: Benign. Last evaluated: 2015-03-03. Review status: criteria provided, single submitter. Criteria: GeneDx Variant Classification Process June 2021. Collection method: clinical testing. Allele origin: germline. Affected: yes.

Eurofins Ntd Llc (ga)
Classification: Benign. Last evaluated: 2014-03-20. Review status: criteria provided, single submitter. Criteria: EGL Classification Definitions 2015. Collection method: clinical testing. Allele origin: germline. Observed: 1 variant allele, 1 heterozygote.

Breakthrough Genomics
Classification: Benign. Review status: criteria provided, single submitter. Criteria: ACMG Guidelines, 2015. Collection method: not provided. Allele origin: germline. Inheritance: Autosomal recessive inheritance. Affected: yes.

PreventionGenetics, part of Exact Sciences
Classification: Benign. Review status: criteria provided, single submitter. Criteria: ACMG Guidelines, 2015. Collection method: clinical testing. Allele origin: germline.